The following is an entry in ClinVar:

ClinVar aggregate classification (germline): Likely benign (1 of 4 stars; one submission).

gnomAD v4.1: 4 of 1,612,704 alleles (0.00025%); highest among the groups gnomAD compares: Non-Finnish European, 0.00034%; no homozygotes.

Submission:

CeGaT Center for Human Genetics Tuebingen
Classification: Likely benign. Last evaluated: 2025-03-01. Review status: criteria provided, single submitter. Criteria: CeGaT Center For Human Genetics Tuebingen Variant Classification Criteria Version 2. Collection method: clinical testing. Allele origin: germline. Affected: yes. Observed: 1 variant allele.
Comment: HERC2: BP4, BP7

NM_004667.6(HERC2):c.6441G>C (p.Val2147=)

Gene: HERC2 (HECT and RLD domain containing E3 ubiquitin protein ligase 2; minus strand). Cytogenetic location: 15q13.1.
Variant type: single nucleotide variant.
Coding change: c.6441G>C on transcript NM_004667.6 (MANE Select); coding-DNA position 6441, G replaced by C.
Protein change: p.Val2147=; no amino-acid change (valine 2147 retained).
Molecular consequence: synonymous variant.
Genome position (GRCh38, 1-based): chr15:28,214,190, C>G on the plus strand (G>C on the coding strand, the complement: HERC2 is on the minus strand). VCF-style: chr15-28214190-C-G. GRCh37 (hg19) VCF-style: chr15-28459336-C-G.
Identifiers: ClinVar variation 3777952 (VCV003777952.7).